The following is an entry in ClinVar:

NM_015466.4(PTPN23):c.2236C>T (p.Arg746Cys)

Gene: PTPN23 (protein tyrosine phosphatase non-receptor type 23; plus strand). Cytogenetic location: 3p21.31.
Variant type: single nucleotide variant.
Coding change: c.2236C>T on transcript NM_015466.4 (MANE Select); coding-DNA position 2236, C replaced by T.
Protein change: p.Arg746Cys; replaces arginine 746 with cysteine.
Molecular consequence: missense variant.
Genome position (GRCh38, 1-based): chr3:47,410,034, C>T. VCF-style: chr3-47410034-C-T. GRCh37 (hg19) VCF-style: chr3-47451524-C-T.
Other names: c.2236C>T (NM_015466.2); c.1858C>T, p.Arg620Cys (NM_001304482.2); short protein forms R620C, R746C.
Identifiers: ClinVar variation 1401266 (VCV001401266.8), dbSNP rs934068242, ClinGen allele CA73879607.

ClinVar aggregate classification (germline): Uncertain significance. Review status: criteria provided, multiple submitters, no conflicts (2 of 4 stars). 3 submissions from 3 submitters: Uncertain significance (3). Last evaluated 2023-12-06.

Conditions:
Neurodevelopmental disorder and structural brain anomalies with or without seizures and spasticity. Identifiers: MedGen C5394423, MONDO:0030046, OMIM 618890.
Inborn genetic diseases. Identifiers: MedGen C0950123, MeSH D030342.

Allele frequency attached by ClinVar (database versions not stated): gnomAD 0.00003; gnomAD exomes 0.00001 and 0.00002; TOPMed 0.00002.
gnomAD v4.1: 30 of 1,610,752 alleles (0.0019%); highest among the groups gnomAD compares: Non-Finnish European, 0.0024%; no homozygotes.

Submissions (3):

Revvity Omics, Revvity
Classification: Uncertain significance for Neurodevelopmental disorder and structural brain anomalies with or without seizures and spasticity. Last evaluated: 2023-12-06. Review status: criteria provided, single submitter. Criteria: ACMG Guidelines, 2015. Collection method: clinical testing. Allele origin: germline.

Ambry Genetics
Classification: Uncertain significance for Inborn genetic diseases. Last evaluated: 2023-11-14. Review status: criteria provided, single submitter. Criteria: Ambry Variant Classification Scheme 2023. Collection method: clinical testing. Allele origin: germline.

Labcorp Genetics (formerly Invitae), Labcorp
Classification: Uncertain significance. Last evaluated: 2022-05-20. Review status: criteria provided, single submitter. Criteria: Invitae Variant Classification Sherloc (09022015). Collection method: clinical testing. Allele origin: germline.
Comment: This sequence change replaces arginine, which is basic and polar, with cysteine, which is neutral and slightly polar, at codon 746 of the PTPN23 protein (p.Arg746Cys). The frequency data for this variant in the population databases is considered unreliable, as metrics indicate poor data quality at this position in the gnomAD database. This variant has not been reported in the literature in individuals affected with PTPN23-related conditions. Algorithms developed to predict the effect of missense changes on protein structure and function are either unavailable or do not agree on the potential impact of this missense change (SIFT: "Deleterious"; PolyPhen-2: "Not Available"; Align-GVGD: "Class C0"). In summary, the available evidence is currently insufficient to determine the role of this variant in disease. Therefore, it has been classified as a Variant of Uncertain Significance.